The following is an entry in ClinVar:

ClinVar aggregate classification (germline): Uncertain significance (1 of 4 stars; one submission).

Conditions:
Glycogen storage disease, type VI (GSD6). Also called: Glycogen storage disease type 6, due to phosphorylation; GSD VI; Glycogen storage disease type 6; Hepatic glycogen phosphorylase deficiency; HERS DISEASE; PHOSPHORYLASE DEFICIENCY GLYCOGEN-STORAGE DISEASE OF LIVER. Identifiers: Orphanet 369, MedGen C0017925, MONDO:0009294, OMIM 232700.

Allele frequency attached by ClinVar (database versions not stated): gnomAD 0.00001; gnomAD exomes 0.00001 and 0.00002; TOPMed 0.00004; ESP Exome Variant Server 0.00008.
gnomAD v4.1: 18 of 1,614,110 alleles (0.0011%); highest among the groups gnomAD compares: African/African-American, 0.0053%; no homozygotes.

Submission:

Labcorp Genetics (formerly Invitae), Labcorp
Classification: Uncertain significance for Glycogen storage disease, type VI. Last evaluated: 2020-02-10. Review status: criteria provided, single submitter. Criteria: Invitae Variant Classification Sherloc (09022015). Collection method: clinical testing. Allele origin: germline.
Comment: In summary, the available evidence is currently insufficient to determine the role of this variant in disease. Therefore, it has been classified as a Variant of Uncertain Significance. Algorithms developed to predict the effect of missense changes on protein structure and function do not agree on the potential impact of this missense change (SIFT: "Tolerated"; PolyPhen-2: "Probably Damaging"; Align-GVGD: "Class C0"). This sequence change replaces histidine with arginine at codon 583 of the PYGL protein (p.His583Arg). The histidine residue is highly conserved and there is a small physicochemical difference between histidine and arginine. This variant is not present in population databases (ExAC no frequency). This variant has not been reported in the literature in individuals with PYGL-related disease.

NM_002863.5(PYGL):c.1748A>G (p.His583Arg)

Gene: PYGL (glycogen phosphorylase L; minus strand). Cytogenetic location: 14q22.1.
Variant type: single nucleotide variant.
Coding change: c.1748A>G on transcript NM_002863.5 (MANE Select); coding-DNA position 1748, A replaced by G.
Protein change: p.His583Arg; replaces histidine 583 with arginine.
Molecular consequence: missense variant.
Genome position (GRCh38, 1-based): chr14:50,912,176, T>C on the plus strand (A>G on the coding strand, the complement: PYGL is on the minus strand). VCF-style: chr14-50912176-T-C. GRCh37 (hg19) VCF-style: chr14-51378894-T-C.
Other names: c.1646A>G, p.His549Arg (NM_001163940.2); short protein forms H583R, H549R.
Identifiers: ClinVar variation 1040590 (VCV001040590.8), dbSNP rs375136222, ClinGen allele CA260822811.